The following is an entry in ClinVar:

ClinVar aggregate classification (germline): Uncertain significance (1 of 4 stars; one submission).

gnomAD v4.1: 2 of 1,209,560 alleles (0.00017%); highest among the groups gnomAD compares: Non-Finnish European, 0.00022%; no homozygotes.

Submission:

Dasa
Classification: Uncertain significance. Last evaluated: 2025-09-09. Review status: criteria provided, single submitter. Criteria: DASA Assertion Criteria. Collection method: clinical testing. Allele origin: germline.
Comment: NM_015922.3(NSDHL):c.41C>T (p.Ala14Val) is a missense variant that results in the substitution of alanine with valine. This variant is rare in population databases. The currently available literature and clinical evidence are not sufficient to establish a definitive association between this variant and the reported condition. Therefore, this variant is classified as a variant of uncertain significance.

NM_015922.3(NSDHL):c.41C>T (p.Ala14Val)

Gene: NSDHL (NAD(P) dependent 3-beta-hydroxysteroid dehydrogenase NSDHL; plus strand). Cytogenetic location: Xq28.
Variant type: single nucleotide variant.
Coding change: c.41C>T on transcript NM_015922.3 (MANE Select); coding-DNA position 41, C replaced by T.
Protein change: p.Ala14Val; replaces alanine 14 with valine.
Molecular consequence: missense variant.
Genome position (GRCh38, 1-based): chrX:152,846,365, C>T. VCF-style: chrX-152846365-C-T. GRCh37 (hg19) VCF-style: chrX-152014909-C-T.
Other names: c.41C>T, p.Ala14Val (NM_001129765.2, NM_001441099.1); short protein forms A14V.
Identifiers: ClinVar variation 4882281 (VCV004882281.2).
Genomic context (GRCh38, chrX:152,846,365, plus strand): 5'-GGACCATATTTTGCTTCGAAATGGAACCAGCAGTTAGCGAGCCAATGAGAGACCAAGTCG[C>T]ACGGACTCATTTGACAGAGGACACTCCCAAAGTGAATGCTGACATAGAAAAGGTTAACCA-3'
Protein context (NP_057006.1, residues 4-24): AVSEPMRDQV[Ala14Val]RTHLTEDTPK